The following is an entry in ClinVar:

ClinVar aggregate classification (germline): Uncertain significance. Review status: criteria provided, multiple submitters, no conflicts (2 of 4 stars). 2 submissions from 2 submitters: Uncertain significance (2). Last evaluated 2025-05-23.

Conditions:
Catecholaminergic polymorphic ventricular tachycardia 1. Also called: RYR2-Related Catecholaminergic Polymorphic Ventricular Tachycardia; VENTRICULAR TACHYCARDIA, CATECHOLAMINERGIC POLYMORPHIC, 1, WITH OR WITHOUT ATRIAL DYSFUNCTION AND/OR DILATED CARDIOMYOPATHY; VENTRICULAR TACHYCARDIA, STRESS-INDUCED POLYMORPHIC 1. Identifiers: Orphanet 3286, MedGen C1631597, MONDO:0011484, OMIM 604772.
Catecholaminergic polymorphic ventricular tachycardia (CVPT). Also called: Catecholamine-induced polymorphic ventricular tachycardia. Identifiers: Orphanet 3286, MedGen C5574922, MONDO:0017990.

Allele frequency attached by ClinVar (database versions not stated): TOPMed 0.00002; ExAC 0.00005.
gnomAD v4.1: 12 of 1,529,374 alleles (0.00078%); highest among the groups gnomAD compares: Admixed American, 0.02%; no homozygotes.

Submissions (2):

Labcorp Genetics (formerly Invitae), Labcorp
Classification: Uncertain significance for Catecholaminergic polymorphic ventricular tachycardia 1. Last evaluated: 2025-05-23. Review status: criteria provided, single submitter. Criteria: Invitae Variant Classification Sherloc (09022015). Collection method: clinical testing. Allele origin: germline.
Comment: This sequence change falls in intron 60 of the RYR2 gene. It does not directly change the encoded amino acid sequence of the RYR2 protein. It affects a nucleotide within the consensus splice site. This variant is present in population databases (rs772907062, gnomAD 0.03%). This variant has not been reported in the literature in individuals affected with RYR2-related conditions. ClinVar contains an entry for this variant (Variation ID: 1915797). Variants that disrupt the consensus splice site are a relatively common cause of aberrant splicing (PMID: 17576681, 9536098). Algorithms developed to predict the effect of sequence changes on RNA splicing suggest that this variant is not likely to affect RNA splicing. In summary, the available evidence is currently insufficient to determine the role of this variant in disease. Therefore, it has been classified as a Variant of Uncertain Significance.

All of Us Research Program, National Institutes of Health
Classification: Uncertain significance for Catecholaminergic polymorphic ventricular tachycardia. Last evaluated: 2023-12-18. Review status: criteria provided, single submitter. Criteria: ACMG Guidelines, 2015. Collection method: clinical testing. Allele origin: germline. Inheritance: Autosomal dominant inheritance. Observed: 1 variant allele, 1 heterozygote.
Comment: This variant causes a G to A nucleotide substitution at the +4 position of intron 60 of the RYR2 gene. To our knowledge, functional studies have not been reported for this variant. This variant has not been reported in individuals affected with RYR2-related disorders in the literature. This variant has been identified in 10/245040 chromosomes in the general population by the Genome Aggregation Database (gnomAD). The available evidence is insufficient to determine the role of this variant in disease conclusively. Therefore, this variant is classified as a Variant of Uncertain Significance.

This study involves interpretation of variants in research participants for the purpose of population health screening. Participant phenotype was not available at the time of variant classification. Additional details can be found in publication PMID: 35346344, PMCID: PMC8962531

Literature cited by the submitters: PubMed 17576681 (cited by Labcorp Genetics (formerly Invitae), Labcorp); PubMed 9536098 (cited by Labcorp Genetics (formerly Invitae), Labcorp).

NM_001035.3(RYR2):c.8830+4G>A

Gene: RYR2 (ryanodine receptor 2; plus strand). Cytogenetic location: 1q43.
Variant type: single nucleotide variant.
Coding change: c.8830+4G>A on transcript NM_001035.3 (MANE Select); 4 bases into the intron after coding-DNA position 8830, G replaced by A.
Molecular consequence: intron variant.
Genome position (GRCh38, 1-based): chr1:237,674,850, G>A. VCF-style: chr1-237674850-G-A. GRCh37 (hg19) VCF-style: chr1-237838150-G-A.
Identifiers: ClinVar variation 1915797 (VCV001915797.6), dbSNP rs772907062, ClinGen allele CA087741.